The following is an entry in ClinVar:

NM_012431.3(SEMA3E):c.1583A>T (p.Asp528Val)

Gene: SEMA3E (semaphorin 3E; minus strand). Cytogenetic location: 7q21.11.
Variant type: single nucleotide variant.
Coding change: c.1583A>T on transcript NM_012431.3 (MANE Select); coding-DNA position 1583, A replaced by T.
Protein change: p.Asp528Val; replaces aspartic acid 528 with valine.
Molecular consequence: missense variant.
Genome position (GRCh38, 1-based): chr7:83,392,639, T>A on the plus strand (A>T on the coding strand, the complement: SEMA3E is on the minus strand). VCF-style: chr7-83392639-T-A. GRCh37 (hg19) VCF-style: chr7-83021955-T-A.
Other names: c.1403A>T, p.Asp468Val (NM_001178129.2); short protein forms D528V, D468V.
Identifiers: ClinVar variation 4996127 (VCV004996127.1).

ClinVar aggregate classification (germline): Uncertain significance (1 of 4 stars; one submission).

Conditions:
SEMA3E-related disorder. Also called: SEMA3E-related condition.

Submission:

PreventionGenetics, part of Exact Sciences
Classification: Uncertain significance for SEMA3E-related condition. Last evaluated: 2026-09-11. Review status: criteria provided, single submitter. Criteria: ACMG Guidelines, 2015. Collection method: clinical testing. Allele origin: germline.
Comment: The SEMA3E c.1583A>T variant is predicted to result in the amino acid substitution p.Asp528Val. To our knowledge, this variant has not been reported in the literature or in a large population database (gnomAD), indicating this variant is rare. At this time, the clinical significance of this variant is uncertain due to the absence of conclusive functional and genetic evidence.